The following is an entry in ClinVar:

ClinVar aggregate classification (germline): Uncertain significance (1 of 4 stars; one submission).

Conditions:
Carney complex, type 1 (CNC1). Also called: CARNEY MYXOMA-ENDOCRINE COMPLEX; CARNEY COMPLEX, TYPE I. Identifiers: Orphanet 1359, MedGen C2607929, MONDO:0008057, OMIM 160980.

Submission:

Labcorp Genetics (formerly Invitae), Labcorp
Classification: Uncertain significance for Carney complex, type 1. Last evaluated: 2022-02-11. Review status: criteria provided, single submitter. Criteria: Invitae Variant Classification Sherloc (09022015). Collection method: clinical testing. Allele origin: germline.
Comment: This sequence change replaces serine, which is neutral and polar, with alanine, which is neutral and non-polar, at codon 155 of the PRKAR1A protein (p.Ser155Ala). This variant is not present in population databases (gnomAD no frequency). This variant has not been reported in the literature in individuals affected with PRKAR1A-related conditions. Algorithms developed to predict the effect of missense changes on protein structure and function (SIFT, PolyPhen-2, Align-GVGD) all suggest that this variant is likely to be tolerated. In summary, the available evidence is currently insufficient to determine the role of this variant in disease. Therefore, it has been classified as a Variant of Uncertain Significance.

NM_002734.5(PRKAR1A):c.463T>G (p.Ser155Ala)

Gene: PRKAR1A (protein kinase cAMP-dependent type I regulatory subunit alpha; plus strand). Cytogenetic location: 17q24.2.
Variant type: single nucleotide variant.
Coding change: c.463T>G on transcript NM_002734.5 (MANE Select); coding-DNA position 463, T replaced by G.
Protein change: p.Ser155Ala; replaces serine 155 with alanine.
Molecular consequence: missense variant.
Genome position (GRCh38, 1-based): chr17:68,524,038, T>G. VCF-style: chr17-68524038-T-G. GRCh37 (hg19) VCF-style: chr17-66520179-T-G.
Other names: c.463T>G, p.Ser155Ala (NM_001276289.2, NM_001276290.1, NM_001278433.2 and 4 more transcripts); short protein forms S155A.
Identifiers: ClinVar variation 2092651 (VCV002092651.4), dbSNP rs2085703582, ClinGen allele CA400752827.
Genomic context (GRCh38, chr17:68,524,038, plus strand): 5'-CATGTGAAATGTAACACGAGGCCTTCTCTCTTTTGCAGTGATATTTTTGATGCCATGTTT[T>G]CGGTCTCCTTTATCGCAGGAGAGACTGTGATTCAGCAAGGTAAGGGCCTCTGGAGCATGC-3'
Protein context (NP_002725.1, residues 145-165): ERSDIFDAMF[Ser155Ala]VSFIAGETVI